The following is an entry in ClinVar:

ClinVar aggregate classification (germline): Uncertain significance. Review status: criteria provided, multiple submitters, no conflicts (2 of 4 stars). 2 submissions from 2 submitters: Uncertain significance (2). Last evaluated 2024-03-17.

Conditions:
Joubert syndrome 9 (JBTS9). Identifiers: Orphanet 2318, MedGen C2676788, MONDO:0012849, OMIM 612285.
COACH syndrome 1. Identifiers: Orphanet 1454, MedGen C5435651, MONDO:0800103, OMIM 216360, MONDO:0008996.

Submissions (2):

Genomic Medicine Center of Excellence, King Faisal Specialist Hospital and Research Centre
Classification: Uncertain significance for Joubert syndrome 9. Last evaluated: 2024-03-17. Review status: criteria provided, single submitter. Criteria: ACMG Guidelines, 2015. Collection method: research. Allele origin: germline.

Baylor Genetics
Classification: Uncertain significance for COACH syndrome 1. Last evaluated: 2020-06-03. Review status: criteria provided, single submitter. Criteria: ACMG Guidelines, 2015. Collection method: clinical testing. Allele origin: unknown. Affected: yes.
Comment: This variant was determined to be of uncertain significance according to ACMG Guidelines, 2015 [PMID:25741868].

NM_001378615.1(CC2D2A):c.3160C>A (p.Pro1054Thr)

Genes: FBXL5 (F-box and leucine rich repeat protein 5; minus strand), CC2D2A (coiled-coil and C2 domain containing 2A; plus strand). Cytogenetic location: 4p15.32.
Variant type: single nucleotide variant.
Coding change: c.3160C>A on transcript NM_001378615.1 (MANE Select); coding-DNA position 3160, C replaced by A.
Protein change: p.Pro1054Thr; replaces proline 1054 with threonine.
Molecular consequence: missense variant.
Genome position (GRCh38, 1-based): chr4:15,563,500, C>A. VCF-style: chr4-15563500-C-A. GRCh37 (hg19) VCF-style: chr4-15565123-C-A.
Other names: c.3160C>A, p.Pro1054Thr (NM_001080522.2); c.3013C>A, p.Pro1005Thr (NM_001378617.1); short protein forms P1054T, P1005T.
Identifiers: ClinVar variation 1028538 (VCV001028538.3), dbSNP rs1719718448, ClinGen allele CA356416256.